The following is an entry in ClinVar:

ClinVar aggregate classification (germline): Uncertain significance (1 of 4 stars; one submission).

Submission:

Labcorp Genetics (formerly Invitae), Labcorp
Classification: Uncertain significance. Last evaluated: 2020-06-26. Review status: criteria provided, single submitter. Criteria: Invitae Variant Classification Sherloc (09022015). Collection method: clinical testing. Allele origin: germline.
Comment: In summary, the available evidence is currently insufficient to determine the role of this variant in disease. Therefore, it has been classified as a Variant of Uncertain Significance. Experimental studies and prediction algorithms are not available or were not evaluated, and the functional significance of this variant is currently unknown. This variant has not been reported in the literature in individuals with PCARE-related conditions. The frequency data for this variant in the population databases is not available, as this variant may be reported as separate entries in the ExAC database. This sequence change replaces alanine with threonine at codon 705 of the PCARE protein (p.Ala705Thr). The alanine residue is moderately conserved and there is a small physicochemical difference between alanine and threonine.

NM_001029883.3(PCARE):c.2112_2113inv (p.Ala705Thr)

Gene: PCARE (photoreceptor cilium actin regulator; minus strand). Cytogenetic location: 2p23.2.
Variant type: Inversion.
Coding change: c.2112_2113inv on transcript NM_001029883.3 (MANE Select).
Protein change: p.Ala705Thr; replaces alanine 705 with threonine.
Molecular consequence: missense variant.
Genome position: GRCh38 VCF-style: chr2-29072149-CA-TG. GRCh37 (hg19) VCF-style: chr2-29295015-CA-TG.
Other names: short protein forms A705T.
Identifiers: ClinVar variation 1002373 (VCV001002373.7), ClinGen allele CA2499215855.
Genomic context (GRCh38, chr2:29,072,149, plus strand): 5'-AGCCTCTGACATTCCAGTCTGTGGCCTTGGCAGCCTCACTGACCTCTCCTGATGGGATGG[CA>TG]TTTGGAAGCTTCCCAGCTTTGCCTTGTTCGTCCTCAGGATGGGGATTGCATTTCTGCAAG-3'
Protein context (NP_001025054.1, residues 695-715): EQGKAGKLPN[Ala705Thr]IPSGEVSEAA